The following is an entry in ClinVar:

ClinVar aggregate classification (germline): Pathogenic. Review status: criteria provided, multiple submitters, no conflicts (2 of 4 stars). 2 submissions from 2 submitters: Pathogenic (2). Last evaluated 2021-08-06.

Conditions:
Hereditary cancer-predisposing syndrome. Also called: Tumor predisposition; Neoplastic Syndromes, Hereditary; Hereditary neoplastic syndrome; Hereditary Cancer Syndrome. Identifiers: Orphanet 140162, MedGen C0027672, MeSH D009386, MONDO:0015356.
Ataxia-telangiectasia syndrome (AT). Also called: Ataxia-telangiectasia, complementation group D; AT, COMPLEMENTATION GROUP C; ATAXIA-TELANGIECTASIA, COMPLEMENTATION GROUP A; ATAXIA-TELANGIECTASIA, FRESNO VARIANT; Ataxia-telangiectasia; Ataxia telangiectasia (A-T). Identifiers: Orphanet 100, MedGen C0004135, MONDO:0008840, OMIM 208900.

Submissions (2):

Ambry Genetics
Classification: Pathogenic for Hereditary cancer-predisposing syndrome. Last evaluated: 2021-08-06. Review status: criteria provided, single submitter. Criteria: Ambry Variant Classification Scheme 2023. Collection method: clinical testing. Allele origin: germline.
Comment: The c.5916_5917delAA pathogenic mutation, located in coding exon 38 of the ATM gene, results from a deletion of two nucleotides at nucleotide positions 5916 to 5917, causing a translational frameshift with a predicted alternate stop codon (p.R1973Kfs*5). This variant is considered to be rare based on population cohorts in the Genome Aggregation Database (gnomAD). This alteration is expected to result in loss of function by premature protein truncation or nonsense-mediated mRNA decay. As such, this alteration is interpreted as a disease-causing mutation.

Labcorp Genetics (formerly Invitae), Labcorp
Classification: Pathogenic for Ataxia-telangiectasia syndrome. Last evaluated: 2019-05-14. Review status: criteria provided, single submitter. Criteria: Invitae Variant Classification Sherloc (09022015). Collection method: clinical testing. Allele origin: germline.
Comment: This sequence change creates a premature translational stop signal (p.Arg1973Lysfs*5) in the ATM gene. It is expected to result in an absent or disrupted protein product. This variant is not present in population databases (ExAC no frequency). For these reasons, this variant has been classified as Pathogenic. Loss-of-function variants in ATM are known to be pathogenic (PMID: 23807571, 25614872). This variant has not been reported in the literature in individuals with ATM-related conditions.

Literature cited by the submitters: PubMed 23807571 (cited by Labcorp Genetics (formerly Invitae), Labcorp); PubMed 25614872 (cited by Labcorp Genetics (formerly Invitae), Labcorp).

NM_000051.4(ATM):c.5916_5917del (p.Arg1973fs)

Genes: ATM (ATM serine/threonine kinase; plus strand), C11orf65 (chromosome 11 open reading frame 65; minus strand). Cytogenetic location: 11q22.3.
Variant type: Deletion.
Coding change: c.5916_5917del on transcript NM_000051.4 (MANE Select); coding-DNA positions 5916 to 5917, 2 bases deleted (AA; older notation c.5916_5917delAA).
Protein change: p.Arg1973fs; shifts the reading frame from arginine 1973.
Molecular consequence: frameshift variant. On other transcripts: intron variant (2).
Genome position (GRCh38, 1-based): chr11:108,310,313-108,310,314, AA deleted; deleting any 2 consecutive bases within chr11:108,310,311-108,310,314 gives the same sequence; the c. name uses the placement nearest the transcript's 3' end. VCF-style (leftmost placement, unchanged base first): chr11-108310310-GAA-G. GRCh37 (hg19) VCF-style: chr11-108181037-GAA-G.
Other names: c.5916_5917delAA, p.Arg1973Lysfs (NM_000051.3); c.5916_5917del, p.Arg1973fs (NM_001351834.2); c.641-1241_641-1240del (NM_001330368.2); c.*39-1241_*39-1240del (NM_001351110.2); short protein forms R1973fs.
Identifiers: ClinVar variation 936808 (VCV000936808.11), dbSNP rs2084040947, ClinGen allele CA1139662236.
Genomic context (GRCh38, chr11:108,310,310, plus strand): 5'-CTTTACAGCTTTACTCTATGCAGAAATCTATGCAGATAAGAAAAGTATGGATGATCAAGA[GAA>G]AAGGTAATGGAATTTAGAATTTTTGGTTTTTAAAATTAATGTTGGCATTGTCTCAATAAG-3'